The following is an entry in ClinVar:

ClinVar aggregate classification (germline): Uncertain significance (1 of 4 stars; one submission).

Submission:

GeneDx
Classification: Uncertain significance. Last evaluated: 2019-07-11. Review status: criteria provided, single submitter. Criteria: GeneDx Variant Classification Process June 2021. Collection method: clinical testing. Allele origin: germline. Affected: yes.
Comment: Not observed in large population cohorts (Lek et al., 2016); In silico analysis, which includes protein predictors and evolutionary conservation, supports that this variant does not alter protein structure/function; Has not been previously published as pathogenic or benign to our knowledge

NM_001199107.2(TBC1D24):c.299A>T (p.Gln100Leu)

Gene: TBC1D24 (TBC1 domain family member 24; plus strand). Cytogenetic location: 16p13.3.
Variant type: single nucleotide variant.
Coding change: c.299A>T on transcript NM_001199107.2 (MANE Select); coding-DNA position 299, A replaced by T.
Protein change: p.Gln100Leu; replaces glutamine 100 with leucine.
Molecular consequence: missense variant.
Genome position (GRCh38, 1-based): chr16:2,496,447, A>T. VCF-style: chr16-2496447-A-T. GRCh37 (hg19) VCF-style: chr16-2546448-A-T.
Other names: c.299A>T, p.Gln100Leu (NM_020705.3); short protein forms Q100L.
Identifiers: ClinVar variation 1306921 (VCV001306921.2), dbSNP rs1433544007, ClinGen allele CA394375409.